The following is an entry in ClinVar:

ClinVar aggregate classification (germline): Likely benign. Review status: criteria provided, multiple submitters, no conflicts (2 of 4 stars). 5 submissions from 5 submitters: Likely benign (4). 1 of the submissions does not count toward it. Last evaluated 2026-07-01.

Conditions:
RBPJ-related disorder. Also called: RBPJ-related condition.

Allele frequency attached by ClinVar (database versions not stated): gnomAD 0.00027 and 0.00030; TOPMed 0.00033; ESP Exome Variant Server 0.00046; 1000 Genomes Project 0.00060; 1000 Genomes Project 30x 0.00062; gnomAD exomes 0.00014 and 0.00020; ExAC 0.00017.
gnomAD v4.1: 268 of 1,614,002 alleles (0.017%); highest among the groups gnomAD compares: Middle Eastern, 0.2%; no homozygotes.

Submissions (5):

CeGaT Center for Human Genetics Tuebingen
Classification: Likely benign. Last evaluated: 2026-07-01. Review status: criteria provided, single submitter. Criteria: CeGaT Center For Human Genetics Tuebingen Variant Classification Criteria Version 2. Collection method: clinical testing. Allele origin: germline. Affected: yes. Observed: 1 variant allele.
Comment: RBPJ: BP4, BP7

Labcorp Genetics (formerly Invitae), Labcorp
Classification: Likely benign. Last evaluated: 2025-12-01. Review status: criteria provided, single submitter. Criteria: Invitae Variant Classification Sherloc (09022015). Collection method: clinical testing. Allele origin: germline.

Blueprint Genetics
Classification: Likely benign. Last evaluated: 2024-04-18. Review status: criteria provided, single submitter. Criteria: ACMG Guidelines, 2015. Collection method: clinical testing. Allele origin: germline.

Breakthrough Genomics
Classification: Likely benign. Review status: criteria provided, single submitter. Criteria: ACMG Guidelines, 2015. Collection method: not provided. Allele origin: germline. Inheritance: Autosomal dominant inheritance. Affected: yes.

PreventionGenetics, part of Exact Sciences
Classification: Likely benign for RBPJ-related condition. Last evaluated: 2019-02-21. Review status: no assertion criteria provided. Collection method: clinical testing. Allele origin: germline. Not counted in ClinVar's aggregate classification.
Comment: This variant is classified as likely benign based on ACMG/AMP sequence variant interpretation guidelines (Richards et al. 2015 PMID: 25741868, with internal and published modifications).

NM_015874.6(RBPJ):c.1437A>G (p.Thr479=)

Gene: RBPJ (recombination signal binding protein for immunoglobulin kappa J region; plus strand). Cytogenetic location: 4p15.2.
Variant type: single nucleotide variant.
Coding change: c.1437A>G on transcript NM_015874.6 (MANE Select); coding-DNA position 1437, A replaced by G.
Protein change: p.Thr479=; no amino-acid change (threonine 479 retained).
Molecular consequence: synonymous variant.
Genome position (GRCh38, 1-based): chr4:26,430,980, A>G. VCF-style: chr4-26430980-A-G. GRCh37 (hg19) VCF-style: chr4-26432602-A-G.
Other names: c.1371A>G, p.Thr457= (NM_001363577.2, NM_203283.5); c.1476A>G, p.Thr492= (NM_001374400.1, NM_005349.4); c.1434A>G, p.Thr478= (NM_001374401.1, NM_001374402.1, NM_001374403.1 and 3 more transcripts); c.1320A>G, p.Thr440= (NM_001379408.1); c.1275A>G, p.Thr425= (NM_001379409.1).
Identifiers: ClinVar variation 735714 (VCV000735714.15), dbSNP rs143956090, ClinGen allele CA2881556.